The following is an entry in ClinVar:

NM_014000.3(VCL):c.169-7C>G

Gene: VCL (vinculin; plus strand). Cytogenetic location: 10q22.2.
Variant type: single nucleotide variant.
Coding change: c.169-7C>G on transcript NM_014000.3 (MANE Select); 7 bases into the intron before coding-DNA position 169, C replaced by G.
Molecular consequence: intron variant.
Genome position (GRCh38, 1-based): chr10:74,043,076, C>G. VCF-style: chr10-74043076-C-G. GRCh37 (hg19) VCF-style: chr10-75802834-C-G.
Other names: c.169-7C>G (NM_003373.4).
Identifiers: ClinVar variation 415312 (VCV000415312.15), dbSNP rs370213146, ClinGen allele CA5562719.
Genomic context (GRCh38, chr10:74,043,076, plus strand): 5'-GCTTAAGTAATAGTTTTTTAAAGTCTGAGAATTTATATTTGAATTATGATTTTTTTTCCT[C>G]TTGTAGGTTGGAAAAGAGACTGTTCAAACCACTGAGGATCAGATTTTGAAGAGAGATATG-3'

ClinVar aggregate classification (germline): Likely benign. Review status: criteria provided, multiple submitters, no conflicts (2 of 4 stars). 4 submissions from 4 submitters: Likely benign (4). Last evaluated 2025-12-15.

Conditions:
VCL-related disorder. Also called: VCL-related condition.
Dilated cardiomyopathy 1W (CMD1W). Identifiers: Orphanet 154, MedGen C1969639, MONDO:0012667, OMIM 611407.

Allele frequency attached by ClinVar (database versions not stated): ExAC 0.00004; gnomAD 0.00005 and 0.00006; gnomAD exomes 0.00007; ESP Exome Variant Server 0.00008; TOPMed 0.00009.
gnomAD v4.1: 249 of 1,611,392 alleles (0.015%); highest among the groups gnomAD compares: Non-Finnish European, 0.02%; no homozygotes.

Submissions (4):

Labcorp Genetics (formerly Invitae), Labcorp
Classification: Likely benign for Dilated cardiomyopathy 1W. Last evaluated: 2025-12-15. Review status: criteria provided, single submitter. Criteria: Invitae Variant Classification Sherloc (09022015). Collection method: clinical testing. Allele origin: germline.

PreventionGenetics, part of Exact Sciences
Classification: Likely benign for VCL-related condition. Last evaluated: 2025-10-06. Review status: criteria provided, single submitter. Criteria: ACMG Guidelines, 2015. Collection method: clinical testing. Allele origin: germline.
Comment: This variant is classified as likely benign based on ACMG/AMP sequence variant interpretation guidelines (Richards et al. 2015 PMID: 25741868, with internal and published modifications).

Blueprint Genetics
Classification: Likely benign. Last evaluated: 2023-07-21. Review status: criteria provided, single submitter. Criteria: ACMG Guidelines, 2015. Collection method: clinical testing. Allele origin: germline.

GeneDx
Classification: Likely benign. Last evaluated: 2018-09-04. Review status: criteria provided, single submitter. Criteria: GeneDx Variant Classification Process June 2021. Collection method: clinical testing. Allele origin: germline. Affected: yes.